The following is an entry in ClinVar:

NM_014850.4(SRGAP3):c.2634C>A (p.Gly878=)

Gene: SRGAP3 (SLIT-ROBO Rho GTPase activating protein 3; minus strand). Cytogenetic location: 3p25.3.
Variant type: single nucleotide variant.
Coding change: c.2634C>A on transcript NM_014850.4 (MANE Select); coding-DNA position 2634, C replaced by A.
Protein change: p.Gly878=; no amino-acid change (glycine 878 retained).
Molecular consequence: synonymous variant.
Genome position (GRCh38, 1-based): chr3:8,990,764, G>T on the plus strand (C>A on the coding strand, the complement: SRGAP3 is on the minus strand). VCF-style: chr3-8990764-G-T. GRCh37 (hg19) VCF-style: chr3-9032448-G-T.
Other names: c.2562C>A, p.Gly854= (NM_001033117.3).
Identifiers: ClinVar variation 3048506 (VCV003048506.3), dbSNP rs984806535, ClinGen allele CA69892612.
Genomic context (GRCh38, chr3:8,990,764, plus strand): 5'-TTTGTGGGGGCTGCTGGGGCAGGCAGCAGCCCGGGGTGGTGTGTCTATGCTGGGGCCCAG[G>T]CCCCGGGGCGGGCTGTGTGTGTCGCCCCCGCTTCGGCGTCTGGGGATGGCTGCTCCATCA-3'
Protein context (NP_055665.1, residues 868-888): SGGDTHSPPR[Gly878=]LGPSIDTPPR

ClinVar aggregate classification (germline): Likely benign. Review status: criteria provided, single submitter (1 of 4 stars). 2 submissions from 2 submitters: Likely benign (1). 1 of the submissions does not count toward it. Last evaluated 2024-08-12.

Conditions:
SRGAP3-related disorder. Also called: SRGAP3-related condition.

Allele frequency attached by ClinVar (database versions not stated): gnomAD exomes below 0.00001; TOPMed below 0.00001; gnomAD 0.00001.
gnomAD v4.1: 14 of 1,603,932 alleles (0.00087%); highest among the groups gnomAD compares: East Asian, 0.0045%; no homozygotes.

Submissions (2):

Blueprint Genetics
Classification: Likely benign. Last evaluated: 2024-08-12. Review status: criteria provided, single submitter. Criteria: ACMG Guidelines, 2015. Collection method: clinical testing. Allele origin: germline.

PreventionGenetics, part of Exact Sciences
Classification: Likely benign for SRGAP3-related condition. Last evaluated: 2019-03-11. Review status: no assertion criteria provided. Collection method: clinical testing. Allele origin: germline. Not counted in ClinVar's aggregate classification.
Comment: This variant is classified as likely benign based on ACMG/AMP sequence variant interpretation guidelines (Richards et al. 2015 PMID: 25741868, with internal and published modifications).